The following is an entry in ClinVar:

NM_001039348.3(EFEMP1):c.318C>G (p.Ser106Arg)

Gene: EFEMP1 (EGF-like fibulin extracellular matrix protein 1; minus strand). Cytogenetic location: 2p16.1.
Variant type: single nucleotide variant.
Coding change: c.318C>G on transcript NM_001039348.3 (MANE Select); coding-DNA position 318, C replaced by G.
Protein change: p.Ser106Arg; replaces serine 106 with arginine.
Molecular consequence: missense variant.
Genome position (GRCh38, 1-based): chr2:55,917,864, G>C on the plus strand (C>G on the coding strand, the complement: EFEMP1 is on the minus strand). VCF-style: chr2-55917864-G-C. GRCh37 (hg19) VCF-style: chr2-56144999-G-C.
Other names: c.318C>G, p.Ser106Arg (NM_001039349.3); c.318C>G (NM_001039348.2); short protein forms S106R.
Identifiers: ClinVar variation 1914157 (VCV001914157.6), dbSNP rs369150030, ClinGen allele CA1668959.

ClinVar aggregate classification (germline): Uncertain significance. Review status: criteria provided, multiple submitters, no conflicts (2 of 4 stars). 2 submissions from 2 submitters: Uncertain significance (2). Last evaluated 2025-08-12.

Conditions:
EFEMP1-related disorder. Also called: EFEMP1-related condition.

Allele frequency attached by ClinVar (database versions not stated): gnomAD exomes 0.00001; gnomAD 0.00003; TOPMed 0.00003; ExAC 0.00004; ESP Exome Variant Server 0.00015.
gnomAD v4.1: 23 of 1,614,138 alleles (0.0014%); highest among the groups gnomAD compares: Non-Finnish European, 0.0019%; no homozygotes.

Submissions (2):

PreventionGenetics, part of Exact Sciences
Classification: Uncertain significance for EFEMP1-related condition. Last evaluated: 2025-08-12. Review status: criteria provided, single submitter. Criteria: ACMG Guidelines, 2015. Collection method: clinical testing. Allele origin: germline.
Comment: The EFEMP1 c.318C>G variant is predicted to result in the amino acid substitution p.Ser106Arg. To our knowledge, this variant has not been reported in the literature. This variant is reported in 0.0044% of alleles in individuals of European (Non-Finnish) descent in gnomAD. At this time, the clinical significance of this variant is uncertain due to the absence of conclusive functional and genetic evidence.

Labcorp Genetics (formerly Invitae), Labcorp
Classification: Uncertain significance. Last evaluated: 2025-05-22. Review status: criteria provided, single submitter. Criteria: Invitae Variant Classification Sherloc (09022015). Collection method: clinical testing. Allele origin: germline.
Comment: This sequence change replaces serine, which is neutral and polar, with arginine, which is basic and polar, at codon 106 of the EFEMP1 protein (p.Ser106Arg). This variant is present in population databases (rs369150030, gnomAD 0.005%). This variant has not been reported in the literature in individuals affected with EFEMP1-related conditions. ClinVar contains an entry for this variant (Variation ID: 1914157). An algorithm developed to predict the effect of missense changes on protein structure and function (PolyPhen-2) suggests that this variant is likely to be tolerated. In summary, the available evidence is currently insufficient to determine the role of this variant in disease. Therefore, it has been classified as a Variant of Uncertain Significance.